The following is an entry in ClinVar:

ClinVar aggregate classification (germline): Likely pathogenic (1 of 4 stars; one submission).

Submission:

Labcorp Genetics (formerly Invitae), Labcorp
Classification: Likely pathogenic. Last evaluated: 2023-10-29. Review status: criteria provided, single submitter. Criteria: Invitae Variant Classification Sherloc (09022015). Collection method: clinical testing. Allele origin: germline.
Comment: This sequence change affects a splice site in intron 7 of the COL27A1 gene. It is expected to disrupt RNA splicing. Variants that disrupt the donor or acceptor splice site typically lead to a loss of protein function (PMID: 16199547), and loss-of-function variants in COL27A1 are known to be pathogenic (PMID: 24986830, 28276056). This variant is not present in population databases (gnomAD no frequency). This variant has not been reported in the literature in individuals affected with COL27A1-related conditions. Algorithms developed to predict the effect of sequence changes on RNA splicing suggest that this variant may disrupt the consensus splice site. In summary, the currently available evidence indicates that the variant is pathogenic, but additional data are needed to prove that conclusively. Therefore, this variant has been classified as Likely Pathogenic.

Literature cited by the submitters: PubMed 16199547; PubMed 24986830; PubMed 28276056.

NM_032888.4(COL27A1):c.2125-2del

Gene: COL27A1 (collagen type XXVII alpha 1 chain; plus strand). Cytogenetic location: 9q32.
Variant type: Deletion.
Coding change: c.2125-2del on transcript NM_032888.4 (MANE Select); the canonical splice acceptor site of the intron before coding-DNA position 2125, one base deleted (A; older notation c.2125-2delA).
Molecular consequence: splice acceptor variant.
Genome position (GRCh38, 1-based): chr9:114,205,100, A deleted. VCF-style (leftmost placement, unchanged base first): chr9-114205099-CA-C. GRCh37 (hg19) VCF-style: chr9-116967379-CA-C.
Identifiers: ClinVar variation 2767937 (VCV002767937.3), dbSNP rs2490877097, ClinGen allele CA2697557991.